The following is an entry in ClinVar:

NM_000426.4(LAMA2):c.4495C>T (p.Arg1499Trp)

Gene: LAMA2 (laminin subunit alpha 2; plus strand). Cytogenetic location: 6q22.33.
Variant type: single nucleotide variant.
Coding change: c.4495C>T on transcript NM_000426.4 (MANE Select); coding-DNA position 4495, C replaced by T.
Protein change: p.Arg1499Trp; replaces arginine 1499 with tryptophan.
Molecular consequence: missense variant.
Genome position (GRCh38, 1-based): chr6:129,349,356, C>T. VCF-style: chr6-129349356-C-T. GRCh37 (hg19) VCF-style: chr6-129670501-C-T.
Other names: c.4495C>T, p.Arg1499Trp (NM_001079823.2); short protein forms R1499W.
Identifiers: ClinVar variation 964923 (VCV000964923.12), dbSNP rs564113854, ClinGen allele CA3993574.

ClinVar aggregate classification (germline): Conflicting classifications of pathogenicity. Review status: criteria provided, conflicting classifications (1 of 4 stars). 3 submissions from 3 submitters: Uncertain significance (1); Likely benign (1). 1 of the submissions does not count toward it. Last evaluated 2026-01-19.

Conditions:
LAMA2-related muscular dystrophy (LAMA2-RD). Also called: Laminin alpha 2-related dystrophy. Identifiers: MedGen C5679788, MONDO:0100228.
LAMA2-related disorder. Also called: LAMA2-related disorders; LAMA2-related condition.

Allele frequency attached by ClinVar (database versions not stated): gnomAD 0.00001 and 0.00004; TOPMed 0.00002; gnomAD exomes 0.00006 and 0.00013; ExAC 0.00013; 1000 Genomes Project 30x 0.00016; 1000 Genomes Project 0.00020.
gnomAD v4.1: 96 of 1,613,242 alleles (0.006%); highest among the groups gnomAD compares: South Asian, 0.094%; 1 homozygote.

Submissions (3):

Labcorp Genetics (formerly Invitae), Labcorp
Classification: Likely benign for LAMA2-related muscular dystrophy. Last evaluated: 2026-01-19. Review status: criteria provided, single submitter. Criteria: Invitae Variant Classification Sherloc (09022015). Collection method: clinical testing. Allele origin: germline.

Revvity Omics, Revvity
Classification: Uncertain significance. Last evaluated: 2023-12-29. Review status: criteria provided, single submitter. Criteria: ACMG Guidelines, 2015. Collection method: clinical testing. Allele origin: germline.

PreventionGenetics, part of Exact Sciences
Classification: Uncertain significance for LAMA2-related condition. Last evaluated: 2023-11-06. Review status: no assertion criteria provided. Collection method: clinical testing. Allele origin: germline. Not counted in ClinVar's aggregate classification.
Comment: The LAMA2 c.4495C>T variant is predicted to result in the amino acid substitution p.Arg1499Trp. To our knowledge, this variant has not been reported in the literature. This variant is reported in 0.095% of alleles in individuals of South Asian descent in gnomAD. At this time, the clinical significance of this variant is uncertain due to the absence of conclusive functional and genetic evidence.